The following is an entry in ClinVar:

NM_018163.3(DNAJC17):c.471G>T (p.Arg157Ser)

Gene: DNAJC17 (DnaJ heat shock protein family (Hsp40) member C17; minus strand). Cytogenetic location: 15q15.1.
Variant type: single nucleotide variant.
Coding change: c.471G>T on transcript NM_018163.3 (MANE Select); coding-DNA position 471, G replaced by T.
Protein change: p.Arg157Ser; replaces arginine 157 with serine.
Molecular consequence: missense variant.
Genome position (GRCh38, 1-based): chr15:40,776,203, C>A on the plus strand (G>T on the coding strand, the complement: DNAJC17 is on the minus strand). VCF-style: chr15-40776203-C-A. GRCh37 (hg19) VCF-style: chr15-41068401-C-A.
Other names: c.471G>T (NM_018163.2); short protein forms R157S.
Identifiers: ClinVar variation 1898649 (VCV001898649.6), dbSNP rs779888515, ClinGen allele CA268856450.

ClinVar aggregate classification (germline): Uncertain significance. Review status: criteria provided, multiple submitters, no conflicts (2 of 4 stars). 2 submissions from 2 submitters: Uncertain significance (2). Last evaluated 2025-11-03.

Allele frequency attached by ClinVar (database versions not stated): TOPMed 0.00005.
gnomAD v4.1: 9 of 1,613,564 alleles (0.00056%); highest among the groups gnomAD compares: African/African-American, 0.012%; no homozygotes.

Submissions (2):

Ambry Genetics
Classification: Uncertain significance. Last evaluated: 2025-11-03. Review status: criteria provided, single submitter. Criteria: Ambry Variant Classification Scheme 2023. Collection method: clinical testing. Allele origin: germline.

Labcorp Genetics (formerly Invitae), Labcorp
Classification: Uncertain significance. Last evaluated: 2022-12-03. Review status: criteria provided, single submitter. Criteria: Invitae Variant Classification Sherloc (09022015). Collection method: clinical testing. Allele origin: germline.
Comment: Algorithms developed to predict the effect of sequence changes on RNA splicing suggest that this variant may disrupt the consensus splice site. This sequence change replaces arginine, which is basic and polar, with serine, which is neutral and polar, at codon 157 of the DNAJC17 protein (p.Arg157Ser). This variant is present in population databases (no rsID available, gnomAD 0.01%). This variant has not been reported in the literature in individuals affected with DNAJC17-related conditions. Algorithms developed to predict the effect of missense changes on protein structure and function are either unavailable or do not agree on the potential impact of this missense change (SIFT: "Deleterious"; PolyPhen-2: "Benign"; Align-GVGD: "Class C15"). In summary, the available evidence is currently insufficient to determine the role of this variant in disease. Therefore, it has been classified as a Variant of Uncertain Significance.